The following is an entry in ClinVar:

NM_003098.3(SNTA1):c.242T>C (p.Leu81Pro)

Gene: SNTA1 (syntrophin alpha 1; minus strand). Cytogenetic location: 20q11.21.
Variant type: single nucleotide variant.
Coding change: c.242T>C on transcript NM_003098.3 (MANE Select); coding-DNA position 242, T replaced by C.
Protein change: p.Leu81Pro; replaces leucine 81 with proline.
Molecular consequence: missense variant.
Genome position (GRCh38, 1-based): chr20:33,443,379, A>G on the plus strand (T>C on the coding strand, the complement: SNTA1 is on the minus strand). VCF-style: chr20-33443379-A-G. GRCh37 (hg19) VCF-style: chr20-32031185-A-G.
Other names: c.242T>C (NM_003098.2); short protein forms L81P.
Identifiers: ClinVar variation 1363467 (VCV001363467.10), dbSNP rs2146814680, ClinGen allele CA408634061.
Genomic context (GRCh38, chr20:33,443,379, plus strand): 5'-CTGATGCCCAGCCCACCGGCGTCGGCCTTGCGCACCGTCACGCGGCGCCGCTGGAGCAGT[A>G]GCGCCTCTGGCAGCTGCGGGGGCCCGGCGCCCGGCTCCGCGGCGCCGTTGAGCTGCGCGG-3'
Protein context (NP_003089.1, residues 71-91): GAGPPQLPEA[Leu81Pro]LLQRRRVTVR

ClinVar aggregate classification (germline): Uncertain significance. Review status: criteria provided, multiple submitters, no conflicts (2 of 4 stars). 3 submissions from 3 submitters: Uncertain significance (3). Last evaluated 2025-07-23.

Conditions:
Cardiovascular phenotype. Identifiers: MedGen CN230736.
Long QT syndrome (LQTS). Identifiers: MedGen C0023976, MeSH D008133, MONDO:0002442. Disease mechanism: loss of function. Inheritance: Various modes of inheritance.

Submissions (3):

GeneDx
Classification: Uncertain significance. Last evaluated: 2025-07-23. Review status: criteria provided, single submitter. Criteria: GeneDx Variant Classification Process June 2021. Collection method: clinical testing. Allele origin: germline. Affected: yes.
Comment: Not observed at significant frequency in large population cohorts (gnomAD); In silico analysis supports that this missense variant has a deleterious effect on protein structure/function; Has not been previously published as pathogenic or benign to our knowledge

Labcorp Genetics (formerly Invitae), Labcorp
Classification: Uncertain significance for Long QT syndrome. Last evaluated: 2023-08-07. Review status: criteria provided, single submitter. Criteria: Invitae Variant Classification Sherloc (09022015). Collection method: clinical testing. Allele origin: germline.
Comment: In summary, the available evidence is currently insufficient to determine the role of this variant in disease. Therefore, it has been classified as a Variant of Uncertain Significance. Advanced modeling of protein sequence and biophysical properties (such as structural, functional, and spatial information, amino acid conservation, physicochemical variation, residue mobility, and thermodynamic stability) performed at Invitae indicates that this missense variant is not expected to disrupt SNTA1 protein function. ClinVar contains an entry for this variant (Variation ID: 1363467). This variant has not been reported in the literature in individuals affected with SNTA1-related conditions. This variant is not present in population databases (gnomAD no frequency). This sequence change replaces leucine, which is neutral and non-polar, with proline, which is neutral and non-polar, at codon 81 of the SNTA1 protein (p.Leu81Pro).

Ambry Genetics
Classification: Uncertain significance for Cardiovascular phenotype. Last evaluated: 2023-04-24. Review status: criteria provided, single submitter. Criteria: Ambry Variant Classification Scheme 2023. Collection method: clinical testing. Allele origin: germline.
Comment: The p.L81P variant (also known as c.242T>C), located in coding exon 1 of the SNTA1 gene, results from a T to C substitution at nucleotide position 242. The leucine at codon 81 is replaced by proline, an amino acid with similar properties. This amino acid position is conserved. In addition, this alteration is predicted to be tolerated by in silico analysis. Since supporting evidence is limited at this time, the clinical significance of this alteration remains unclear.